The following is an entry in ClinVar:

NM_001042492.3(NF1):c.5724del (p.Ile1908fs)

Gene: NF1 (neurofibromin 1; plus strand). Cytogenetic location: 17q11.2.
Variant type: Deletion.
Coding change: c.5724del on transcript NM_001042492.3 (MANE Select); coding-DNA position 5724, one base deleted (T; older notation c.5724delT).
Protein change: p.Ile1908fs; shifts the reading frame from isoleucine 1908.
Molecular consequence: frameshift variant.
Genome position (GRCh38, 1-based): chr17:31,330,410, T deleted; the last of 2 consecutive T bases (chr17:31,330,409-31,330,410); deleting either gives the same sequence. VCF-style (leftmost placement, unchanged base first): chr17-31330408-AT-A. GRCh37 (hg19) VCF-style: chr17-29657426-AT-A.
Other names: c.5661delT, p.Ile1887Metfs (NM_000267.4); short protein forms I1887fs, I1908fs.
Identifiers: ClinVar variation 1448709 (VCV001448709.6), dbSNP rs2151544737, ClinGen allele CA2573153422.

ClinVar aggregate classification (germline): Pathogenic (1 of 4 stars; one submission).

Conditions:
Neurofibromatosis, type 1 (NF1). Also called: NEUROFIBROMATOSIS, TYPE I, SOMATIC; VON RECKLINGHAUSEN DISEASE; Peripheral type neurofibromatosis; Neurofibromatosis, type I. Identifiers: Orphanet 636, MedGen C0027831, MONDO:0018975, OMIM 162200. Disease mechanism: loss of function.

Submission:

Labcorp Genetics (formerly Invitae), Labcorp
Classification: Pathogenic for Neurofibromatosis, type 1. Last evaluated: 2021-11-12. Review status: criteria provided, single submitter. Criteria: Invitae Variant Classification Sherloc (09022015). Collection method: clinical testing. Allele origin: germline.
Comment: This variant is not present in population databases (gnomAD no frequency). This sequence change creates a premature translational stop signal (p.Ile1887Metfs*17) in the NF1 gene. It is expected to result in an absent or disrupted protein product. Loss-of-function variants in NF1 are known to be pathogenic (PMID: 10712197, 23913538). This variant has not been reported in the literature in individuals affected with NF1-related conditions. For these reasons, this variant has been classified as Pathogenic.

Literature cited by the submitters: PubMed 10712197; PubMed 23913538.